The following is an entry in ClinVar:

ClinVar aggregate classification (germline): Uncertain significance. Review status: criteria provided, multiple submitters, no conflicts (2 of 4 stars). 2 submissions from 2 submitters: Uncertain significance (2). Last evaluated 2025-10-22.

Conditions:
Centromeric instability of chromosomes 1,9 and 16 and immunodeficiency (ICF1). Also called: Immunodeficiency-centromeric instability-facial anomalies; IMMUNE DEFICIENCY, VARIABLE, WITH CENTROMERIC INSTABILITY OF CHROMOSOMES 1, 9, AND 16; IMMUNODEFICIENCY SYNDROME, VARIABLE; CENTROMERIC INSTABILITY, IMMUNODEFICIENCY SYNDROME. Identifiers: Orphanet 2268, MedGen C0398788, MONDO:0000133.
Inborn genetic diseases. Identifiers: MedGen C0950123, MeSH D030342.

Allele frequency attached by ClinVar (database versions not stated): gnomAD exomes 0.00001; ExAC 0.00002; gnomAD 0.00011; TOPMed 0.00011.
gnomAD v4.1: 24 of 1,613,974 alleles (0.0015%); highest among the groups gnomAD compares: African/African-American, 0.032%; no homozygotes.

Submissions (2):

Ambry Genetics
Classification: Uncertain significance for Inborn genetic diseases. Last evaluated: 2025-10-22. Review status: criteria provided, single submitter. Criteria: Ambry Variant Classification Scheme 2023. Collection method: clinical testing. Allele origin: germline.

Labcorp Genetics (formerly Invitae), Labcorp
Classification: Uncertain significance for Centromeric instability of chromosomes 1,9 and 16 and immunodeficiency. Last evaluated: 2022-08-12. Review status: criteria provided, single submitter. Criteria: Invitae Variant Classification Sherloc (09022015). Collection method: clinical testing. Allele origin: germline.
Comment: This sequence change replaces proline, which is neutral and non-polar, with serine, which is neutral and polar, at codon 101 of the DNMT3B protein (p.Pro101Ser). This variant is present in population databases (rs751163668, gnomAD 0.02%). This variant has not been reported in the literature in individuals affected with DNMT3B-related conditions. Algorithms developed to predict the effect of missense changes on protein structure and function output the following: SIFT: "Deleterious"; PolyPhen-2: "Probably Damaging"; Align-GVGD: "Class C0". The serine amino acid residue is found in multiple mammalian species, which suggests that this missense change does not adversely affect protein function. In summary, the available evidence is currently insufficient to determine the role of this variant in disease. Therefore, it has been classified as a Variant of Uncertain Significance.

NM_006892.4(DNMT3B):c.301C>T (p.Pro101Ser)

Gene: DNMT3B (DNA methyltransferase 3 beta; plus strand). Cytogenetic location: 20q11.21.
Variant type: single nucleotide variant.
Coding change: c.301C>T on transcript NM_006892.4 (MANE Select); coding-DNA position 301, C replaced by T.
Protein change: p.Pro101Ser; replaces proline 101 with serine.
Molecular consequence: missense variant. On other transcripts: intron variant (1).
Genome position (GRCh38, 1-based): chr20:32,784,854, C>T. VCF-style: chr20-32784854-C-T. GRCh37 (hg19) VCF-style: chr20-31372660-C-T.
Other names: c.301C>T, p.Pro101Ser (NM_001207055.2, NM_175848.2, NM_175849.2); c.337C>T, p.Pro113Ser (NM_175850.3); c.205-2376C>T (NM_001207056.2); short protein forms P113S, P101S.
Identifiers: ClinVar variation 2139726 (VCV002139726.3), dbSNP rs751163668, ClinGen allele CA9810120.
Genomic context (GRCh38, chr20:32,784,854, plus strand): 5'-GGCTCTGACACCCCAGTCATGCCAAAGCTCTTCCGGGAAACCAGGACTCGTTCAGAAAGC[C>T]CAGCTGTAAGTAGCCACACCTCGAGCCAAAGCACTTGTGGCCAACACTCTACATAGCATA-3'
Protein context (NP_008823.1, residues 91-111): FRETRTRSES[Pro101Ser]AVRTRNNNSV